The following is an entry in ClinVar:

NM_030912.3(TRIM8):c.1064C>T (p.Pro355Leu)

Gene: TRIM8 (tripartite motif containing 8; plus strand). Cytogenetic location: 10q24.32.
Variant type: single nucleotide variant.
Coding change: c.1064C>T on transcript NM_030912.3 (MANE Select); coding-DNA position 1064, C replaced by T.
Protein change: p.Pro355Leu; replaces proline 355 with leucine.
Molecular consequence: missense variant. On other transcripts: non-coding transcript variant (1).
Genome position (GRCh38, 1-based): chr10:102,656,762, C>T. VCF-style: chr10-102656762-C-T. GRCh37 (hg19) VCF-style: chr10-104416519-C-T.
Other names: c.968C>T, p.Pro323Leu (NM_001345950.1); short protein forms P355L, P323L.
Identifiers: ClinVar variation 2920183 (VCV002920183.3), dbSNP rs1346280668, ClinGen allele CA377931055.

ClinVar aggregate classification (germline): Uncertain significance (1 of 4 stars; one submission).

Allele frequency attached by ClinVar (database versions not stated): gnomAD exomes 0.00001; TOPMed 0.00004; gnomAD 0.00007.

Submission:

Labcorp Genetics (formerly Invitae), Labcorp
Classification: Uncertain significance. Last evaluated: 2023-11-17. Review status: criteria provided, single submitter. Criteria: Invitae Variant Classification Sherloc (09022015). Collection method: clinical testing. Allele origin: germline.
Comment: This sequence change replaces proline, which is neutral and non-polar, with leucine, which is neutral and non-polar, at codon 355 of the TRIM8 protein (p.Pro355Leu). This variant is present in population databases (no rsID available, gnomAD 0.03%). This variant has not been reported in the literature in individuals affected with TRIM8-related conditions. An algorithm developed to predict the effect of missense changes on protein structure and function (PolyPhen-2) suggests that this variant is likely to be disruptive. In summary, the available evidence is currently insufficient to determine the role of this variant in disease. Therefore, it has been classified as a Variant of Uncertain Significance.